The following is an entry in ClinVar:

ClinVar aggregate classification (germline): Likely benign. Review status: criteria provided, multiple submitters, no conflicts (2 of 4 stars). 3 submissions from 3 submitters: Likely benign (3). Last evaluated 2025-08-01.

Conditions:
Intellectual developmental disorder with autistic features and language delay, with or without seizures. Identifiers: MedGen C5394447, MONDO:0030051, OMIM 618906.
Inborn genetic diseases. Identifiers: MedGen C0950123, MeSH D030342.

Allele frequency attached by ClinVar (database versions not stated): 1000 Genomes Project 30x 0.00016; 1000 Genomes Project 0.00020; TOPMed 0.00022; gnomAD 0.00023.
gnomAD v4.1: 670 of 1,613,754 alleles (0.042%); highest among the groups gnomAD compares: Non-Finnish European, 0.055%; no homozygotes.

Submissions (3):

CeGaT Center for Human Genetics Tuebingen
Classification: Likely benign. Last evaluated: 2025-08-01. Review status: criteria provided, single submitter. Criteria: CeGaT Center For Human Genetics Tuebingen Variant Classification Criteria Version 2. Collection method: clinical testing. Allele origin: germline. Affected: yes. Observed: 1 variant allele.
Comment: TANC2: BP4

Ambry Genetics
Classification: Likely benign for Inborn genetic diseases. Last evaluated: 2023-05-23. Review status: criteria provided, single submitter. Criteria: Ambry Variant Classification Scheme 2023. Collection method: clinical testing. Allele origin: germline.

Department of Pathology and Laboratory Medicine, Sinai Health System
Classification: Likely benign for Intellectual developmental disorder with autistic features and language delay, with or without seizures. Last evaluated: 2022-07-04. Review status: criteria provided, single submitter. Criteria: ACMG Guidelines, 2015. Collection method: research. Allele origin: germline.

NM_001394998.1(TANC2):c.718G>T (p.Ala240Ser)

Gene: TANC2 (tetratricopeptide repeat, ankyrin repeat and coiled-coil containing 2; plus strand). Cytogenetic location: 17q23.3.
Variant type: single nucleotide variant.
Coding change: c.718G>T on transcript NM_001394998.1 (MANE Select); coding-DNA position 718, G replaced by T.
Protein change: p.Ala240Ser; replaces alanine 240 with serine.
Molecular consequence: missense variant.
Genome position (GRCh38, 1-based): chr17:63,200,906, G>T. VCF-style: chr17-63200906-G-T. GRCh37 (hg19) VCF-style: chr17-61278267-G-T.
Other names: c.496G>T, p.Ala166Ser (NM_001411076.1, NM_025185.4); short protein forms A166S, A240S.
Identifiers: ClinVar variation 2509843 (VCV002509843.11), dbSNP rs201520197, ClinGen allele CA8697419.